The following is an entry in ClinVar:

ClinVar aggregate classification (germline): Uncertain significance (1 of 4 stars; one submission).

Conditions:
Familial hypocalciuric hypercalcemia (FHH). Also called: Familial benign hypercalcemia. Identifiers: Orphanet 405, MedGen C1809471, MONDO:0018458.
Autosomal dominant hypocalcemia 1 (HYPOC1). Also called: HYPOCALCEMIA, FAMILIAL. Identifiers: MedGen C3715128, MONDO:0011013, OMIM 601198.

Submission:

Labcorp Genetics (formerly Invitae), Labcorp
Classification: Uncertain significance for Familial hypocalciuric hypercalcemia; Autosomal dominant hypocalcemia 1. Last evaluated: 2023-07-28. Review status: criteria provided, single submitter. Criteria: Invitae Variant Classification Sherloc (09022015). Collection method: clinical testing. Allele origin: germline.
Comment: This variant is not present in population databases (gnomAD no frequency). This variant, c.2834_2839dup, results in the insertion of 2 amino acid(s) of the CASR protein (p.Gln945_Gln946dup), but otherwise preserves the integrity of the reading frame. This variant has not been reported in the literature in individuals affected with CASR-related conditions. In summary, the available evidence is currently insufficient to determine the role of this variant in disease. Therefore, it has been classified as a Variant of Uncertain Significance.

NM_000388.4(CASR):c.2825AGC[7] (p.Gln946_Pro947insGlnGln)

Gene: CASR (calcium sensing receptor; plus strand). Cytogenetic location: 3q21.1.
Variant type: Microsatellite.
Coding change: c.2825AGC[7] on transcript NM_000388.4 (MANE Select); seven copies in a row of the 3-base unit AGC starting at c.2825; the reference has five copies in a row; two copies, 6 bases duplicated.
Protein change: p.Gln946_Pro947insGlnGln.
Molecular consequence: inframe insertion.
Genome position (GRCh38, 1-based): chr3:122,284,788-122,284,793, AGCAGC duplicated; duplicating any 6 consecutive bases within chr3:122,284,779-122,284,793 gives the same sequence; the position shown is the placement nearest the transcript's 3' end. VCF-style (leftmost placement, unchanged base first): chr3-122284778-G-GAGCAGC. GRCh37 (hg19) VCF-style: chr3-122003625-G-GAGCAGC.
Other names: c.2855AGC[7], p.Gln956_Pro957insGlnGln (NM_001178065.2).
Identifiers: ClinVar variation 2938698 (VCV002938698.3), dbSNP rs747740545, ClinGen allele CA2740094577.